The following is an entry in ClinVar:

NM_020975.6(RET):c.28G>A (p.Gly10Arg)

Genes: RET (ret proto-oncogene; plus strand), LOC106736614 (RET 5' regulatory region; plus strand). Cytogenetic location: 10q11.21.
Variant type: single nucleotide variant.
Coding change: c.28G>A on transcript NM_020975.6 (MANE Select); coding-DNA position 28, G replaced by A.
Protein change: p.Gly10Arg; replaces glycine 10 with arginine.
Molecular consequence: missense variant.
Genome position (GRCh38, 1-based): chr10:43,077,286, G>A. VCF-style: chr10-43077286-G-A. GRCh37 (hg19) VCF-style: chr10-43572734-G-A.
Other names: c.28G>A, p.Gly10Arg (NM_000323.2, NM_001406743.1, NM_001406744.1 and 38 more transcripts); short protein forms G10R.
Identifiers: ClinVar variation 2713355 (VCV002713355.3), dbSNP rs2132497960, ClinGen allele CA376768048.

ClinVar aggregate classification (germline): Uncertain significance (1 of 4 stars; one submission).

Conditions:
Multiple endocrine neoplasia, type 2 (MEN2). Identifiers: Orphanet 653, MedGen C4048306, MONDO:0019003. Disease mechanism: gain of function.

gnomAD v4.1: 1 of 1,509,016 alleles (0.000066%); highest among the groups gnomAD compares: Non-Finnish European, 0.000088%; no homozygotes.

Submission:

Labcorp Genetics (formerly Invitae), Labcorp
Classification: Uncertain significance for Multiple endocrine neoplasia, type 2. Last evaluated: 2024-01-27. Review status: criteria provided, single submitter. Criteria: Invitae Variant Classification Sherloc (09022015). Collection method: clinical testing. Allele origin: germline.
Comment: This sequence change replaces glycine, which is neutral and non-polar, with arginine, which is basic and polar, at codon 10 of the RET protein (p.Gly10Arg). This variant is not present in population databases (gnomAD no frequency). This variant has not been reported in the literature in individuals affected with RET-related conditions. An algorithm developed to predict the effect of missense changes on protein structure and function (PolyPhen-2) suggests that this variant is likely to be tolerated. In summary, the available evidence is currently insufficient to determine the role of this variant in disease. Therefore, it has been classified as a Variant of Uncertain Significance.